The following is an entry in ClinVar:

ClinVar aggregate classification (germline): Uncertain significance (1 of 4 stars; one submission).

Submission:

Labcorp Genetics (formerly Invitae), Labcorp
Classification: Uncertain significance. Last evaluated: 2023-12-13. Review status: criteria provided, single submitter. Criteria: Invitae Variant Classification Sherloc (09022015). Collection method: clinical testing. Allele origin: germline.
Comment: This sequence change replaces methionine, which is neutral and non-polar, with arginine, which is basic and polar, at codon 436 of the NFKB1 protein (p.Met436Arg). This variant is present in population databases (no rsID available, gnomAD 0.006%). This variant has not been reported in the literature in individuals affected with NFKB1-related conditions. An algorithm developed to predict the effect of missense changes on protein structure and function (PolyPhen-2) suggests that this variant is likely to be tolerated. In summary, the available evidence is currently insufficient to determine the role of this variant in disease. Therefore, it has been classified as a Variant of Uncertain Significance.

NM_003998.4(NFKB1):c.1307T>G (p.Met436Arg)

Gene: NFKB1 (nuclear factor kappa B subunit 1; plus strand). Cytogenetic location: 4q24.
Variant type: single nucleotide variant.
Coding change: c.1307T>G on transcript NM_003998.4 (MANE Select); coding-DNA position 1307, T replaced by G.
Protein change: p.Met436Arg; replaces methionine 436 with arginine.
Molecular consequence: missense variant.
Genome position (GRCh38, 1-based): chr4:102,596,144, T>G. VCF-style: chr4-102596144-T-G. GRCh37 (hg19) VCF-style: chr4-103517301-T-G.
Other names: c.1304T>G, p.Met435Arg (NM_001165412.2, NM_001319226.2, NM_001382627.1); c.1307T>G, p.Met436Arg (NM_001382625.1, NM_001382626.1); c.1265T>G, p.Met422Arg (NM_001382628.1); short protein forms M422R, M435R, M436R.
Identifiers: ClinVar variation 2701167 (VCV002701167.3), dbSNP rs779199620, ClinGen allele CA357750813.